The following is an entry in ClinVar:

NM_005505.5(SCARB1):c.727-13T>A

Gene: SCARB1 (scavenger receptor class B member 1; minus strand). Cytogenetic location: 12q24.31.
Variant type: single nucleotide variant.
Coding change: c.727-13T>A on transcript NM_005505.5 (MANE Select); 13 bases into the intron before coding-DNA position 727, T replaced by A.
Molecular consequence: intron variant.
Genome position (GRCh38, 1-based): chr12:124,810,302, A>T on the plus strand (T>A on the coding strand, the complement: SCARB1 is on the minus strand). VCF-style: chr12-124810302-A-T. GRCh37 (hg19) VCF-style: chr12-125294848-A-T.
Other names: c.726+1568T>A (NM_001367988.1); c.727-37T>A (NM_001367985.1); c.727-13T>A (NM_001367987.1, NM_001367986.1, NM_001082959.2 and 4 more transcripts); c.604-13T>A (NM_001367982.1).
Identifiers: ClinVar variation 2997487 (VCV002997487.3), dbSNP rs1383308986, ClinGen allele CA684821086.

ClinVar aggregate classification (germline): Uncertain significance (1 of 4 stars; one submission).

Allele frequency attached by ClinVar (database versions not stated): gnomAD exomes below 0.00001; TOPMed below 0.00001.
gnomAD v4.1: 7 of 1,589,516 alleles (0.00044%); highest among the groups gnomAD compares: Non-Finnish European, 0.00052%; no homozygotes.

Submission:

Labcorp Genetics (formerly Invitae), Labcorp
Classification: Uncertain significance. Last evaluated: 2023-07-25. Review status: criteria provided, single submitter. Criteria: Invitae Variant Classification Sherloc (09022015). Collection method: clinical testing. Allele origin: germline.
Comment: Algorithms developed to predict the effect of sequence changes on RNA splicing suggest that this variant may disrupt the consensus splice site. In summary, the available evidence is currently insufficient to determine the role of this variant in disease. Therefore, it has been classified as a Variant of Uncertain Significance. This variant has not been reported in the literature in individuals affected with SCARB1-related conditions. This variant is not present in population databases (gnomAD no frequency). This sequence change falls in intron 5 of the SCARB1 gene. It does not directly change the encoded amino acid sequence of the SCARB1 protein.